The following is an entry in ClinVar:

ClinVar aggregate classification (germline): Uncertain significance (1 of 4 stars; one submission).

Conditions:
Hereditary cancer-predisposing syndrome. Also called: Neoplastic Syndromes, Hereditary; Tumor predisposition; Hereditary Cancer Syndrome; Hereditary neoplastic syndrome. Identifiers: Orphanet 140162, MedGen C0027672, MeSH D009386, MONDO:0015356.

Submission:

Ambry Genetics
Classification: Uncertain significance for Hereditary cancer-predisposing syndrome. Last evaluated: 2025-10-14. Review status: criteria provided, single submitter. Criteria: Ambry Variant Classification Scheme 2023. Collection method: clinical testing. Allele origin: germline.
Comment: The p.S1374P variant (also known as c.4120T>C), located in coding exon 21 of the BLM gene, results from a T to C substitution at nucleotide position 4120. The serine at codon 1374 is replaced by proline, an amino acid with similar properties. This amino acid position is conserved. In addition, this alteration is predicted to be tolerated by in silico analysis. Based on the available evidence, the clinical significance of this variant remains unclear.

NM_000057.4(BLM):c.4120T>C (p.Ser1374Pro)

Gene: BLM (BLM RecQ like helicase; plus strand). Cytogenetic location: 15q26.1.
Variant type: single nucleotide variant.
Coding change: c.4120T>C on transcript NM_000057.4 (MANE Select); coding-DNA position 4120, T replaced by C.
Protein change: p.Ser1374Pro; replaces serine 1374 with proline.
Molecular consequence: missense variant.
Genome position (GRCh38, 1-based): chr15:90,815,145, T>C. VCF-style: chr15-90815145-T-C. GRCh37 (hg19) VCF-style: chr15-91358375-T-C.
Other names: c.4120T>C, p.Ser1374Pro (NM_001287246.2); c.3727T>C, p.Ser1243Pro (NM_001287247.2); c.2995T>C, p.Ser999Pro (NM_001287248.2); short protein forms S1374P, S1243P, S999P.
Identifiers: ClinVar variation 4622622 (VCV004622622.1).